The following is an entry in ClinVar:

NC_000023.10:g.(?_39911362)_(41782241_?)dup

Genes: ATP6AP2 (ATPase H+ transporting accessory protein 2; plus strand), BCOR (BCL6 corepressor; minus strand), CASK (calcium/calmodulin dependent serine protein kinase; minus strand), CXorf38 (chromosome X open reading frame 38; minus strand), DDX3X (DEAD-box helicase 3 X-linked; plus strand) and 6 more. Cytogenetic location: Xp11.4.
Variant type: Duplication.
Identifiers: ClinVar variation 2423949 (VCV002423949.3).

ClinVar aggregate classification (germline): Uncertain significance (1 of 4 stars; one submission).

Submission:

Labcorp Genetics (formerly Invitae), Labcorp
Classification: Uncertain significance. Last evaluated: 2022-07-14. Review status: criteria provided, single submitter. Criteria: Invitae Variant Classification Sherloc (09022015). Collection method: clinical testing. Allele origin: germline.
Comment: A copy number gain of the genomic region encompassing the full coding sequence of the DDX3X gene has been identified. The boundaries of this event are unknown as they extend beyond the assayed region for this gene and therefore may encompass additional genes. As the precise location of this event is unknown, it may be in tandem or it may be located elsewhere in the genome. Isolated whole-gene copy number gains of DDX3X have not been reported in the literature. However, larger copy number events that include this gene have been reported (PMID: 23354975). Experimental studies and prediction algorithms are not available or were not evaluated, and the functional significance of this variant is currently unknown. In summary, the available evidence is currently insufficient to determine the role of this variant in disease. Therefore, it has been classified as a Variant of Uncertain Significance.

Literature cited by the submitters: PubMed 23354975.